The following is an entry in ClinVar:

ClinVar aggregate classification (germline): Uncertain significance. Review status: criteria provided, multiple submitters, no conflicts (2 of 4 stars). 2 submissions from 2 submitters: Uncertain significance (2). Last evaluated 2026-05-31.

Conditions:
Inborn genetic diseases. Identifiers: MedGen C0950123, MeSH D030342.
Neutropenia, severe congenital, 1, autosomal dominant. Identifiers: MedGen C1859966, MONDO:0042490, OMIM 202700.
Cyclical neutropenia. Also called: Cyclic hematopoiesis; Cyclic Neutropenia. Identifiers: Orphanet 2686, MedGen C0221023, MONDO:0008090, OMIM 162800, HP:0040289. Disease mechanism: loss of function.

Submissions (2):

Ambry Genetics
Classification: Uncertain significance for Inborn genetic diseases. Last evaluated: 2026-05-31. Review status: criteria provided, single submitter. Criteria: Ambry Variant Classification Scheme 2023. Collection method: clinical testing. Allele origin: germline.
Comment: The p.N116K variant (also known as c.348C>G), located in coding exon 3 of the ELANE gene, results from a C to G substitution at nucleotide position 348. The asparagine at codon 116 is replaced by lysine, an amino acid with similar properties. This amino acid position is conserved. In addition, the in silico prediction for this alteration is inconclusive. Based on the available evidence, the clinical significance of this variant remains unclear.

Labcorp Genetics (formerly Invitae), Labcorp
Classification: Uncertain significance for Neutropenia, severe congenital, 1, autosomal dominant; Cyclical neutropenia. Last evaluated: 2025-10-13. Review status: criteria provided, single submitter. Criteria: Invitae Variant Classification Sherloc (09022015). Collection method: clinical testing. Allele origin: germline.
Comment: This sequence change replaces asparagine, which is neutral and polar, with lysine, which is basic and polar, at codon 116 of the ELANE protein (p.Asn116Lys). This variant is not present in population databases (gnomAD no frequency). This variant has not been reported in the literature in individuals affected with ELANE-related conditions. Invitae Evidence Modeling of protein sequence and biophysical properties (such as structural, functional, and spatial information, amino acid conservation, physicochemical variation, residue mobility, and thermodynamic stability) has been performed for this missense variant. However, the output from this modeling did not meet the statistical confidence thresholds required to predict the impact of this variant on ELANE protein function. In summary, the available evidence is currently insufficient to determine the role of this variant in disease. Therefore, it has been classified as a Variant of Uncertain Significance.

NM_001972.4(ELANE):c.348C>G (p.Asn116Lys)

Gene: ELANE (elastase, neutrophil expressed; plus strand). Cytogenetic location: 19p13.3.
Variant type: single nucleotide variant.
Coding change: c.348C>G on transcript NM_001972.4 (MANE Select); coding-DNA position 348, C replaced by G.
Protein change: p.Asn116Lys; replaces asparagine 116 with lysine.
Molecular consequence: missense variant.
Genome position (GRCh38, 1-based): chr19:853,385, C>G. VCF-style: chr19-853385-C-G. GRCh37 (hg19) VCF-style: chr19-853385-C-G.
Other names: short protein forms N116K.
Identifiers: ClinVar variation 4792603 (VCV004792603.2).